The following is an entry in ClinVar:

NM_001005498.4(RHBDF2):c.1996A>G (p.Ile666Val)

Gene: RHBDF2 (rhomboid 5 homolog 2; minus strand). Cytogenetic location: 17q25.1.
Variant type: single nucleotide variant.
Coding change: c.1996A>G on transcript NM_001005498.4 (MANE Select); coding-DNA position 1996, A replaced by G.
Protein change: p.Ile666Val; replaces isoleucine 666 with valine.
Molecular consequence: missense variant. On other transcripts: non-coding transcript variant (3).
Genome position (GRCh38, 1-based): chr17:76,472,754, T>C on the plus strand (A>G on the coding strand, the complement: RHBDF2 is on the minus strand). VCF-style: chr17-76472754-T-C. GRCh37 (hg19) VCF-style: chr17-74468836-T-C.
Other names: c.1996A>G, p.Ile666Val (NM_001376228.1, NM_001376229.1, NM_001376230.1); c.2083A>G, p.Ile695Val (NM_024599.5); short protein forms I666V, I695V.
Identifiers: ClinVar variation 3700252 (VCV003700252.2).

ClinVar aggregate classification (germline): Uncertain significance (1 of 4 stars; one submission).

Submission:

Labcorp Genetics (formerly Invitae), Labcorp
Classification: Uncertain significance. Last evaluated: 2025-01-27. Review status: criteria provided, single submitter. Criteria: Invitae Variant Classification Sherloc (09022015). Collection method: clinical testing. Allele origin: germline.
Comment: This sequence change replaces isoleucine, which is neutral and non-polar, with valine, which is neutral and non-polar, at codon 695 of the RHBDF2 protein (p.Ile695Val). This variant is not present in population databases (gnomAD no frequency). This variant has not been reported in the literature in individuals affected with RHBDF2-related conditions. An algorithm developed to predict the effect of missense changes on protein structure and function (PolyPhen-2) suggests that this variant is likely to be tolerated. In summary, the available evidence is currently insufficient to determine the role of this variant in disease. Therefore, it has been classified as a Variant of Uncertain Significance.